The following is an entry in ClinVar:

NM_002860.4(ALDH18A1):c.385C>G (p.His129Asp)

Gene: ALDH18A1 (aldehyde dehydrogenase 18 family member A1; minus strand). Cytogenetic location: 10q24.1.
Variant type: single nucleotide variant.
Coding change: c.385C>G on transcript NM_002860.4 (MANE Select); coding-DNA position 385, C replaced by G.
Protein change: p.His129Asp; replaces histidine 129 with aspartic acid.
Molecular consequence: missense variant. On other transcripts: intron variant (1).
Genome position (GRCh38, 1-based): chr10:95,637,355, G>C on the plus strand (C>G on the coding strand, the complement: ALDH18A1 is on the minus strand). VCF-style: chr10-95637355-G-C. GRCh37 (hg19) VCF-style: chr10-97397112-G-C.
Other names: c.385C>G, p.His129Asp (NM_001017423.2, NM_001323413.2, NM_001323414.2 and 2 more transcripts); c.52C>G, p.His18Asp (NM_001323412.2, NM_001323416.2, NM_001323418.2); c.-78-3706C>G (NM_001323419.2); short protein forms H129D, H18D.
Identifiers: ClinVar variation 3390538 (VCV003390538.1).

ClinVar aggregate classification (germline): Uncertain significance (1 of 4 stars; one submission).

Submission:

GeneDx
Classification: Uncertain significance. Last evaluated: 2024-06-14. Review status: criteria provided, single submitter. Criteria: GeneDx Variant Classification Process June 2021. Collection method: clinical testing. Allele origin: germline. Affected: yes.
Comment: Not observed at significant frequency in large population cohorts (gnomAD); In silico analysis supports that this missense variant has a deleterious effect on protein structure/function; Has not been previously published as pathogenic or benign to our knowledge